The following is an entry in ClinVar:

ClinVar aggregate classification (germline): Pathogenic/Likely pathogenic. Review status: criteria provided, multiple submitters, no conflicts (2 of 4 stars). 3 submissions from 3 submitters: Pathogenic (1); Likely pathogenic (2). Last evaluated 2024-06-05.

Conditions:
Werner syndrome (WRN). Identifiers: Orphanet 902, MedGen C0043119, MONDO:0010196, OMIM 277700.

Submissions (3):

Fulgent Genetics
Classification: Likely pathogenic for Werner syndrome. Last evaluated: 2024-06-05. Review status: criteria provided, single submitter. Criteria: ACMG Guidelines, 2015. Collection method: clinical testing. Allele origin: germline.

Labcorp Genetics (formerly Invitae), Labcorp
Classification: Pathogenic for Werner syndrome. Last evaluated: 2024-03-03. Review status: criteria provided, single submitter. Criteria: Invitae Variant Classification Sherloc (09022015). Collection method: clinical testing. Allele origin: germline.
Comment: This sequence change creates a premature translational stop signal (p.Tyr636*) in the WRN gene. It is expected to result in an absent or disrupted protein product. Loss-of-function variants in WRN are known to be pathogenic (PMID: 16673358). This variant is not present in population databases (gnomAD no frequency). This variant has not been reported in the literature in individuals affected with WRN-related conditions. ClinVar contains an entry for this variant (Variation ID: 656412). For these reasons, this variant has been classified as Pathogenic.

Baylor Genetics
Classification: Likely pathogenic for Werner syndrome. Last evaluated: 2023-04-16. Review status: criteria provided, single submitter. Criteria: ACMG Guidelines, 2015. Collection method: clinical testing. Allele origin: unknown.

Literature cited by the submitters: PubMed 16673358 (cited by Labcorp Genetics (formerly Invitae), Labcorp).

NM_000553.6(WRN):c.1908C>A (p.Tyr636Ter)

Gene: WRN (WRN RecQ like helicase; plus strand). Cytogenetic location: 8p12.
Variant type: single nucleotide variant.
Coding change: c.1908C>A on transcript NM_000553.6 (MANE Select); coding-DNA position 1908, C replaced by A.
Protein change: p.Tyr636Ter; replaces tyrosine 636 with a stop codon.
Molecular consequence: nonsense.
Genome position (GRCh38, 1-based): chr8:31,096,777, C>A. VCF-style: chr8-31096777-C-A. GRCh37 (hg19) VCF-style: chr8-30954293-C-A.
Other names: short protein forms Y636*.
Identifiers: ClinVar variation 656412 (VCV000656412.9), dbSNP rs1585449207, ClinGen allele CA370929570.